The following is an entry in ClinVar:

NM_201384.3(PLEC):c.12180G>A (p.Arg4060=)

Gene: PLEC (plectin; minus strand). Cytogenetic location: 8q24.3.
Variant type: single nucleotide variant.
Coding change: c.12180G>A on transcript NM_201384.3 (MANE Select); coding-DNA position 12180, G replaced by A.
Protein change: p.Arg4060=; no amino-acid change (arginine 4060 retained).
Molecular consequence: synonymous variant.
Genome position (GRCh38, 1-based): chr8:143,917,641, C>T on the plus strand (G>A on the coding strand, the complement: PLEC is on the minus strand). VCF-style: chr8-143917641-C-T. GRCh37 (hg19) VCF-style: chr8-144991809-C-T.
Other names: c.12261G>A, p.Arg4087= (NM_000445.5); c.12138G>A, p.Arg4046= (NM_201378.4); c.12114G>A, p.Arg4038= (NM_201379.3); c.12591G>A, p.Arg4197= (NM_201380.4); c.12084G>A, p.Arg4028= (NM_201381.3); c.12180G>A, p.Arg4060= (NM_201382.4); c.12192G>A, p.Arg4064= (NM_201383.3).
Identifiers: ClinVar variation 668451 (VCV000668451.8), dbSNP rs370144166, ClinGen allele CA4924163.

ClinVar aggregate classification (germline): Likely benign. Review status: criteria provided, multiple submitters, no conflicts (2 of 4 stars). 3 submissions from 3 submitters: Likely benign (3). Last evaluated 2026-06-01.

Conditions:
Autosomal recessive limb-girdle muscular dystrophy type 2Q (LGMDR17). Also called: MUSCULAR DYSTROPHY, LIMB-GIRDLE, AUTOSOMAL RECESSIVE 17. Identifiers: Orphanet 254361, MedGen C3150989, MONDO:0013390, OMIM 613723.
Epidermolysis bullosa simplex with nail dystrophy (EBS5D). Identifiers: MedGen C4225309, MONDO:0014661, OMIM 616487.
Epidermolysis bullosa simplex 5B, with muscular dystrophy (EBS5B). Also called: Epidermolysis bullosa simplex with muscular dystrophy; EPIDERMOLYSIS BULLOSA SIMPLEX AND LIMB-GIRDLE MUSCULAR DYSTROPHY. Identifiers: Orphanet 257, MedGen C2931072, MONDO:0009181, OMIM 226670.
Epidermolysis bullosa simplex, Ogna type (EBS5A). Also called: EPIDERMOLYSIS BULLOSA SIMPLEX 5A, OGNA TYPE; Pidermolysis bullosa simplex 5A, Ogna type. Identifiers: Orphanet 79401, MedGen C0432317, MONDO:0007555, OMIM 131950.
Epidermolysis bullosa simplex 5C, with pyloric atresia (EBS5C). Also called: PLEC-Related Epidermolysis Bullosa with Pyloric Atresia; PLEC1-Related Epidermolysis Bullosa with Pyloric Atresia; Epidermolysis bullosa simplex with pyloric atresia. Identifiers: Orphanet 158684, MedGen C2677349, MONDO:0012807, OMIM 612138.

Allele frequency attached by ClinVar (database versions not stated): gnomAD exomes below 0.00001 and 0.00001; ExAC 0.00001; gnomAD 0.00001; TOPMed 0.00002; ESP Exome Variant Server 0.00008.
gnomAD v4.1: 7 of 1,613,564 alleles (0.00043%); highest among the groups gnomAD compares: African/African-American, 0.0013%; no homozygotes.

Submissions (3):

CeGaT Center for Human Genetics Tuebingen
Classification: Likely benign. Last evaluated: 2026-06-01. Review status: criteria provided, single submitter. Criteria: CeGaT Center For Human Genetics Tuebingen Variant Classification Criteria Version 2. Collection method: clinical testing. Allele origin: germline. Affected: yes. Observed: 1 variant allele.
Comment: PLEC: BP4, BP7

Labcorp Genetics (formerly Invitae), Labcorp
Classification: Likely benign for Autosomal recessive limb-girdle muscular dystrophy type 2Q; Epidermolysis bullosa simplex, Ogna type; Epidermolysis bullosa simplex with nail dystrophy; Epidermolysis bullosa simplex 5C, with pyloric atresia; Epidermolysis bullosa simplex 5B, with muscular dystrophy. Last evaluated: 2025-08-16. Review status: criteria provided, single submitter. Criteria: Invitae Variant Classification Sherloc (09022015). Collection method: clinical testing. Allele origin: germline.

GeneDx
Classification: Likely benign. Last evaluated: 2018-05-16. Review status: criteria provided, single submitter. Criteria: GeneDx Variant Classification (06012015). Collection method: clinical testing. Allele origin: germline. Affected: yes.
Comment: This variant is considered likely benign or benign based on one or more of the following criteria: it is a conservative change, it occurs at a poorly conserved position in the protein, it is predicted to be benign by multiple in silico algorithms, and/or has population frequency not consistent with disease.